The following is an entry in ClinVar:

NM_001017420.3(ESCO2):c.1673+8A>G

Gene: ESCO2 (establishment of sister chromatid cohesion N-acetyltransferase 2; plus strand). Cytogenetic location: 8p21.1.
Variant type: single nucleotide variant.
Coding change: c.1673+8A>G on transcript NM_001017420.3 (MANE Select); 8 bases into the intron after coding-DNA position 1673, A replaced by G.
Molecular consequence: intron variant.
Genome position (GRCh38, 1-based): chr8:27,799,724, A>G. VCF-style: chr8-27799724-A-G. GRCh37 (hg19) VCF-style: chr8-27657241-A-G.
Other names: c.1673+8A>G (NM_001017420.2).
Identifiers: ClinVar variation 1436958 (VCV001436958.8), dbSNP rs112842216, ClinGen allele CA4692368.
Genomic context (GRCh38, chr8:27,799,724, plus strand): 5'-TTCAGACTGAAGAGAAGAAAGCGCATTGCAAGACGACTGGTTGATACCCTCAGGTAAGAA[A>G]TAAAATGGATCTAGATCCAGAACCTTAGATTCATAGCTTTCCCAGAACCTCTCGGCTTCT-3'

ClinVar aggregate classification (germline): Likely benign. Review status: criteria provided, single submitter (1 of 4 stars). 2 submissions from 2 submitters: Likely benign (1). 1 of the submissions does not count toward it. Last evaluated 2024-03-16.

Conditions:
ESCO2-related disorder. Also called: ESCO2-related condition.

Allele frequency attached by ClinVar (database versions not stated): ExAC 0.00001; gnomAD exomes 0.00001; gnomAD 0.00004.
gnomAD v4.1: 17 of 1,613,942 alleles (0.0011%); highest among the groups gnomAD compares: African/African-American, 0.017%; 2 homozygotes.

Submissions (2):

Labcorp Genetics (formerly Invitae), Labcorp
Classification: Likely benign. Last evaluated: 2024-03-16. Review status: criteria provided, single submitter. Criteria: Invitae Variant Classification Sherloc (09022015). Collection method: clinical testing. Allele origin: germline.

PreventionGenetics, part of Exact Sciences
Classification: Likely benign for ESCO2-related condition. Last evaluated: 2019-03-12. Review status: no assertion criteria provided. Collection method: clinical testing. Allele origin: germline. Not counted in ClinVar's aggregate classification.
Comment: This variant is classified as likely benign based on ACMG/AMP sequence variant interpretation guidelines (Richards et al. 2015 PMID: 25741868, with internal and published modifications).